The following is an entry in ClinVar:

NM_006767.4(LZTR1):c.549_563del (p.Tyr183_Trp188delinsTer)

Gene: LZTR1 (leucine zipper like post translational regulator 1; plus strand). Cytogenetic location: 22q11.21.
Variant type: Deletion.
Coding change: c.549_563del on transcript NM_006767.4 (MANE Select); coding-DNA positions 549 to 563, 15 bases deleted (CAGTGACAAGCTGTG).
Protein change: p.Tyr183_Trp188delinsTer.
Molecular consequence: nonsense.
Genome position (GRCh38, 1-based): chr22:20,988,828-20,988,842, CAGTGACAAGCTGTG deleted. VCF-style (leftmost placement, unchanged base first): chr22-20988827-ACAGTGACAAGCTGTG-A. GRCh37 (hg19) VCF-style: chr22-21343116-ACAGTGACAAGCTGTG-A.
Other names: c.549_563del15 (NM_006767.3).
Identifiers: ClinVar variation 4809559 (VCV004809559.2).

ClinVar aggregate classification (germline): Pathogenic/Likely pathogenic. Review status: criteria provided, multiple submitters, no conflicts (2 of 4 stars). 2 submissions from 2 submitters: Pathogenic (1); Likely pathogenic (1). Last evaluated 2025-11-30.

Conditions:
LZTR1-related disorder. Also called: LZTR1-related disorders; LZTR1-related condition.

Submissions (2):

PreventionGenetics, part of Exact Sciences
Classification: Likely pathogenic for LZTR1-related condition. Last evaluated: 2025-11-30. Review status: criteria provided, single submitter. Criteria: ACMG Guidelines, 2015. Collection method: clinical testing. Allele origin: germline.
Comment: The LZTR1 c.549_563del15 variant is predicted to result in premature protein termination (p.Tyr183*). To our knowledge, this variant has not been reported in the literature or in a large population database (gnomAD), indicating this variant is rare. Frameshift variants in LZTR1 are expected to be pathogenic. This variant is interpreted as pathogenic for autosomal recessive Noonan syndrome and autosomal dominant susceptibility to schwannomatosis. However, this variant is interpreted as uncertain for autosomal dominant Noonan syndrome.

Labcorp Genetics (formerly Invitae), Labcorp
Classification: Pathogenic. Last evaluated: 2025-03-19. Review status: criteria provided, single submitter. Criteria: Invitae Variant Classification Sherloc (09022015). Collection method: clinical testing. Allele origin: germline.
Comment: This sequence change creates a premature translational stop signal (p.Tyr183*) in the LZTR1 gene. It is expected to result in an absent or disrupted protein product. Loss-of-function variants in LZTR1 are known to be pathogenic (PMID: 24362817, 25335493, 25480913, 25795793, 29469822, 30368668, 30442762, 30442766, 30481304, 30859559). This variant is not present in population databases (gnomAD no frequency). This variant has not been reported in the literature in individuals affected with LZTR1-related conditions. For these reasons, this variant has been classified as Pathogenic.

Literature cited by the submitters: PubMed 24362817 (cited by Labcorp Genetics (formerly Invitae), Labcorp); PubMed 25335493 (cited by Labcorp Genetics (formerly Invitae), Labcorp); PubMed 25480913 (cited by Labcorp Genetics (formerly Invitae), Labcorp); PubMed 25795793 (cited by Labcorp Genetics (formerly Invitae), Labcorp); PubMed 29469822 (cited by Labcorp Genetics (formerly Invitae), Labcorp); PubMed 30368668 (cited by Labcorp Genetics (formerly Invitae), Labcorp); PubMed 30442762 (cited by Labcorp Genetics (formerly Invitae), Labcorp); PubMed 30442766 (cited by Labcorp Genetics (formerly Invitae), Labcorp); PubMed 30481304 (cited by Labcorp Genetics (formerly Invitae), Labcorp); PubMed 30859559 (cited by Labcorp Genetics (formerly Invitae), Labcorp).